The following is an entry in ClinVar:

NM_018489.3(ASH1L):c.4579C>G (p.Arg1527Gly)

Gene: ASH1L (ASH1 like histone lysine methyltransferase; minus strand). Cytogenetic location: 1q22.
Variant type: single nucleotide variant.
Coding change: c.4579C>G on transcript NM_018489.3 (MANE Select); coding-DNA position 4579, C replaced by G.
Protein change: p.Arg1527Gly; replaces arginine 1527 with glycine.
Molecular consequence: missense variant.
Genome position (GRCh38, 1-based): chr1:155,478,291, G>C on the plus strand (C>G on the coding strand, the complement: ASH1L is on the minus strand). VCF-style: chr1-155478291-G-C. GRCh37 (hg19) VCF-style: chr1-155448082-G-C.
Other names: c.4579C>G, p.Arg1527Gly (NM_001366177.2); short protein forms R1527G.
Identifiers: ClinVar variation 3026884 (VCV003026884.22), dbSNP rs1558146278, ClinGen allele CA342700869.

ClinVar aggregate classification (germline): Uncertain significance (1 of 4 stars; one submission).

Allele frequency attached by ClinVar (database versions not stated): gnomAD exomes below 0.00001.
gnomAD v4.1: 1 of 1,614,066 alleles (0.000062%); highest among the groups gnomAD compares: Non-Finnish European, 0.000085%; no homozygotes.

Submission:

CeGaT Center for Human Genetics Tuebingen
Classification: Uncertain significance. Last evaluated: 2024-01-01. Review status: criteria provided, single submitter. Criteria: CeGaT Center For Human Genetics Tuebingen Variant Classification Criteria Version 2. Collection method: clinical testing. Allele origin: germline. Affected: yes. Observed: 1 variant allele.
Comment: ASH1L: PM2